The following is an entry in ClinVar:

NM_170707.4(LMNA):c.1048G>C (p.Ala350Pro)

Gene: LMNA (lamin A/C; plus strand). Cytogenetic location: 1q22.
Variant type: single nucleotide variant.
Coding change: c.1048G>C on transcript NM_170707.4 (MANE Select); coding-DNA position 1048, G replaced by C.
Protein change: p.Ala350Pro; replaces alanine 350 with proline.
Molecular consequence: missense variant.
Genome position (GRCh38, 1-based): chr1:156,136,012, G>C. VCF-style: chr1-156136012-G-C. GRCh37 (hg19) VCF-style: chr1-156105803-G-C.
Other names: c.712G>C, p.Ala238Pro (NM_001257374.3); c.805G>C, p.Ala269Pro (NM_001282624.2); c.1048G>C, p.Ala350Pro (NM_001282625.2, NM_001282626.2, NM_005572.4 and 1 more transcripts); short protein forms A350P, A238P, A269P.
Identifiers: ClinVar variation 66764 (VCV000066764.5), dbSNP rs267607610, ClinGen allele CA016496.
Genomic context (GRCh38, chr1:156,136,012, plus strand): 5'-GAGCGGGACACCAGCCGGCGGCTGCTGGCGGAAAAGGAGCGGGAGATGGCCGAGATGCGG[G>C]CAAGGATGCAGCAGCAGCTGGACGAGTACCAGGAGCTTCTGGACATCAAGCTGGCCCTGG-3'
Protein context (NP_733821.1, residues 340-360): EKEREMAEMR[Ala350Pro]RMQQQLDEYQ

ClinVar aggregate classification (germline): Uncertain significance. Review status: criteria provided, multiple submitters, no conflicts (2 of 4 stars). 3 submissions from 3 submitters: Uncertain significance (2). 1 of the submissions does not count toward it. Last evaluated 2025-07-31.

Conditions:
Cardiovascular phenotype. Identifiers: MedGen CN230736.
Charcot-Marie-Tooth disease type 2. Also called: Charcot-Marie-Tooth type 2. Identifiers: Orphanet 64746, MedGen C0270914, MONDO:0018993.

Submissions (3):

Ambry Genetics
Classification: Uncertain significance for Cardiovascular phenotype. Last evaluated: 2025-07-31. Review status: criteria provided, single submitter. Criteria: Ambry Variant Classification Scheme 2023. Collection method: clinical testing. Allele origin: germline.
Comment: The p.A350P variant (also known as c.1048G>C), located in coding exon 6 of the LMNA gene, results from a G to C substitution at nucleotide position 1048. The alanine at codon 350 is replaced by proline, an amino acid with highly similar properties. This variant was identified in one or more individuals with features consistent with LMNA-associated disease, specifically, cardiomyopathy and/or dysrhythmia, and segregated with disease in at least one family (Rudenskaya GE et al. Clin Genet, 2008 Aug;74:127-33; Ambry internal data). Functional studies suggest this variant may impact protein function; however, additional evidence is needed to confirm these findings (Anderson CL et al. NPJ Genom Med, 2021 Dec;6:103; Mukherjee C et al. Soft Matter, 2021 Jul;17:6787-6796). This amino acid position is well conserved in available vertebrate species. In addition, this alteration is predicted to be deleterious by in silico analysis. Based on the available evidence, the clinical significance of this variant remains unclear.

Labcorp Genetics (formerly Invitae), Labcorp
Classification: Uncertain significance for Charcot-Marie-Tooth disease type 2. Last evaluated: 2023-10-13. Review status: criteria provided, single submitter. Criteria: Invitae Variant Classification Sherloc (09022015). Collection method: clinical testing. Allele origin: germline.
Comment: This sequence change replaces alanine, which is neutral and non-polar, with proline, which is neutral and non-polar, at codon 350 of the LMNA protein (p.Ala350Pro). This variant is not present in population databases (gnomAD no frequency). This missense change has been observed in individual(s) with autosomal dominant LMNA-related conditions (PMID: 18564364). ClinVar contains an entry for this variant (Variation ID: 66764). Advanced modeling of protein sequence and biophysical properties (such as structural, functional, and spatial information, amino acid conservation, physicochemical variation, residue mobility, and thermodynamic stability) performed at Invitae indicates that this missense variant is expected to disrupt LMNA protein function. Experimental studies are conflicting or provide insufficient evidence to determine the effect of this variant on LMNA function (PMID: 34862408). In summary, the available evidence is currently insufficient to determine the role of this variant in disease. Therefore, it has been classified as a Variant of Uncertain Significance.

Epithelial Biology;  Institute of Medical Biology, Singapore
No classification provided. Review status: no classification provided. Collection method: not provided. Allele origin: not provided. Not counted in ClinVar's aggregate classification.

Literature cited by the submitters: PubMed 18564364 (cited by Ambry Genetics and Labcorp Genetics (formerly Invitae), Labcorp); PubMed 34219136 (cited by Ambry Genetics); PubMed 34862408 (cited by Ambry Genetics and Labcorp Genetics (formerly Invitae), Labcorp).